The following is an entry in ClinVar:

NM_003114.5(SPAG1):c.1951A>C (p.Lys651Gln)

Gene: SPAG1 (sperm associated antigen 1; plus strand). Cytogenetic location: 8q22.2.
Variant type: single nucleotide variant.
Coding change: c.1951A>C on transcript NM_003114.5 (MANE Select); coding-DNA position 1951, A replaced by C.
Protein change: p.Lys651Gln; replaces lysine 651 with glutamine.
Molecular consequence: missense variant.
Genome position (GRCh38, 1-based): chr8:100,231,251, A>C. VCF-style: chr8-100231251-A-C. GRCh37 (hg19) VCF-style: chr8-101243479-A-C.
Other names: c.1951A>C, p.Lys651Gln (NM_001374321.1, NM_172218.3); short protein forms K651Q.
Identifiers: ClinVar variation 1401334 (VCV001401334.7), dbSNP rs1004492870, ClinGen allele CA182390588.

ClinVar aggregate classification (germline): Uncertain significance (1 of 4 stars; one submission).

Conditions:
Primary ciliary dyskinesia 28. Also called: CILIARY DYSKINESIA, PRIMARY, 28, WITH OR WITHOUT SITUS INVERSUS. Identifiers: Orphanet 244, MedGen C3809706, MONDO:0014216, OMIM 615505.

Allele frequency attached by ClinVar (database versions not stated): gnomAD exomes 0.00001; TOPMed 0.00001; gnomAD 0.00002.
gnomAD v4.1: 6 of 1,602,272 alleles (0.00037%); highest among the groups gnomAD compares: Admixed American, 0.01%; no homozygotes.

Submission:

Labcorp Genetics (formerly Invitae), Labcorp
Classification: Uncertain significance for Primary ciliary dyskinesia 28. Last evaluated: 2023-10-03. Review status: criteria provided, single submitter. Criteria: Invitae Variant Classification Sherloc (09022015). Collection method: clinical testing. Allele origin: germline.
Comment: This sequence change replaces lysine, which is basic and polar, with glutamine, which is neutral and polar, at codon 651 of the SPAG1 protein (p.Lys651Gln). This variant is present in population databases (no rsID available, gnomAD 0.01%). This variant has not been reported in the literature in individuals affected with SPAG1-related conditions. ClinVar contains an entry for this variant (Variation ID: 1401334). Advanced modeling of protein sequence and biophysical properties (such as structural, functional, and spatial information, amino acid conservation, physicochemical variation, residue mobility, and thermodynamic stability) performed at Invitae indicates that this missense variant is not expected to disrupt SPAG1 protein function. In summary, the available evidence is currently insufficient to determine the role of this variant in disease. Therefore, it has been classified as a Variant of Uncertain Significance.